The following is an entry in ClinVar:

ClinVar aggregate classification (germline): Uncertain significance. Review status: criteria provided, multiple submitters, no conflicts (2 of 4 stars). 5 submissions from 5 submitters: Uncertain significance (5). Last evaluated 2026-02-23.

Conditions:
SLC27A5-related disorder. Also called: SLC27A5-related condition.

Allele frequency attached by ClinVar (database versions not stated): gnomAD 0.00011 and 0.00013; gnomAD exomes 0.00012 and 0.00021; TOPMed 0.00013; ESP Exome Variant Server 0.00015; ExAC 0.00022.

Submissions (5):

PreventionGenetics, part of Exact Sciences
Classification: Uncertain significance for SLC27A5-related condition. Last evaluated: 2026-02-23. Review status: criteria provided, single submitter. Criteria: ACMG Guidelines, 2015. Collection method: clinical testing. Allele origin: germline.
Comment: The SLC27A5 c.1210C>T variant is predicted to result in the amino acid substitution p.Arg404Cys. To our knowledge, this variant has not been reported in the literature. This variant is reported in 0.082% of alleles in individuals of South Asian descent in gnomAD, which may be too frequent to be a primary cause of disease. Although we suspect that this variant may be benign, at this time, the clinical significance of this variant is uncertain due to the absence of conclusive functional and genetic evidence.

Mayo Clinic Laboratories, Mayo Clinic
Classification: Uncertain significance. Last evaluated: 2025-12-04. Review status: criteria provided, single submitter. Criteria: ACMG Guidelines, 2015. Collection method: clinical testing. Allele origin: germline. Observed: 1 variant allele.
Comment: BP4

Labcorp Genetics (formerly Invitae), Labcorp
Classification: Uncertain significance. Last evaluated: 2025-08-05. Review status: criteria provided, single submitter. Criteria: Invitae Variant Classification Sherloc (09022015). Collection method: clinical testing. Allele origin: germline.
Comment: This sequence change replaces arginine, which is basic and polar, with cysteine, which is neutral and slightly polar, at codon 404 of the SLC27A5 protein (p.Arg404Cys). This variant is present in population databases (rs144545445, gnomAD 0.08%), and has an allele count higher than expected for a pathogenic variant. This variant has not been reported in the literature in individuals affected with SLC27A5-related conditions. ClinVar contains an entry for this variant (Variation ID: 595273). An algorithm developed to predict the effect of missense changes on protein structure and function (PolyPhen-2) suggests that this variant is likely to be tolerated. In summary, the available evidence is currently insufficient to determine the role of this variant in disease. Therefore, it has been classified as a Variant of Uncertain Significance.

Eurofins Ntd Llc (ga)
Classification: Uncertain significance. Last evaluated: 2017-12-06. Review status: criteria provided, single submitter. Criteria: EGL Classification Definitions 2015. Collection method: clinical testing. Allele origin: germline. Observed: 1 variant allele, 1 heterozygote.

Breakthrough Genomics
Classification: Uncertain significance. Review status: criteria provided, single submitter. Criteria: ACMG Guidelines, 2015. Collection method: not provided. Allele origin: germline. Inheritance: Autosomal dominant inheritance. Affected: yes.

NM_012254.3(SLC27A5):c.1210C>T (p.Arg404Cys)

Gene: SLC27A5 (solute carrier family 27 member 5; minus strand). Cytogenetic location: 19q13.43.
Variant type: single nucleotide variant.
Coding change: c.1210C>T on transcript NM_012254.3 (MANE Select); coding-DNA position 1210, C replaced by T.
Protein change: p.Arg404Cys; replaces arginine 404 with cysteine.
Molecular consequence: missense variant.
Genome position (GRCh38, 1-based): chr19:58,500,679, G>A on the plus strand (C>T on the coding strand, the complement: SLC27A5 is on the minus strand). VCF-style: chr19-58500679-G-A. GRCh37 (hg19) VCF-style: chr19-59012046-G-A.
Other names: p.Arg404Cys; c.958C>T, p.Arg320Cys (NM_001321196.2); c.1210C>T (NM_012254.2); short protein forms R404C, R320C.
Identifiers: ClinVar variation 595273 (VCV000595273.10), dbSNP rs144545445, ClinGen allele CA9718062.